The following is an entry in ClinVar:

ClinVar aggregate classification (germline): Uncertain significance (1 of 4 stars; one submission).

Conditions:
Ataxia-telangiectasia syndrome (AT). Also called: Ataxia telangiectasia (A-T); ATAXIA-TELANGIECTASIA, COMPLEMENTATION GROUP A; ATAXIA-TELANGIECTASIA, FRESNO VARIANT; Ataxia-telangiectasia; Ataxia-telangiectasia, complementation group E; LOUIS-BAR SYNDROME. Identifiers: Orphanet 100, MedGen C0004135, MONDO:0008840, OMIM 208900.

Submission:

Labcorp Genetics (formerly Invitae), Labcorp
Classification: Uncertain significance for Ataxia-telangiectasia syndrome. Last evaluated: 2025-04-02. Review status: criteria provided, single submitter. Criteria: Invitae Variant Classification Sherloc (09022015). Collection method: clinical testing. Allele origin: germline.
Comment: This sequence change replaces cysteine, which is neutral and slightly polar, with arginine, which is basic and polar, at codon 2931 of the ATM protein (p.Cys2931Arg). This variant is not present in population databases (gnomAD no frequency). This variant has not been reported in the literature in individuals affected with ATM-related conditions. ClinVar contains an entry for this variant (Variation ID: 1011928). Invitae Evidence Modeling of protein sequence and biophysical properties (such as structural, functional, and spatial information, amino acid conservation, physicochemical variation, residue mobility, and thermodynamic stability) indicates that this missense variant is expected to disrupt ATM protein function with a positive predictive value of 95%. In summary, the available evidence is currently insufficient to determine the role of this variant in disease. Therefore, it has been classified as a Variant of Uncertain Significance.

NM_000051.4(ATM):c.8791T>C (p.Cys2931Arg)

Genes: ATM (ATM serine/threonine kinase; plus strand), C11orf65 (chromosome 11 open reading frame 65; minus strand). Cytogenetic location: 11q22.3.
Variant type: single nucleotide variant.
Coding change: c.8791T>C on transcript NM_000051.4 (MANE Select); coding-DNA position 8791, T replaced by C.
Protein change: p.Cys2931Arg; replaces cysteine 2931 with arginine.
Molecular consequence: missense variant. On other transcripts: intron variant (2).
Genome position (GRCh38, 1-based): chr11:108,354,815, T>C. VCF-style: chr11-108354815-T-C. GRCh37 (hg19) VCF-style: chr11-108225542-T-C.
Other names: c.8791T>C, p.Cys2931Arg (NM_001351834.2); c.640+31105A>G (NM_001330368.2); c.695-19523A>G (NM_001351110.2); short protein forms C2931R.
Identifiers: ClinVar variation 1011928 (VCV001011928.9), dbSNP rs2089690140, ClinGen allele CA382525544.